The following is an entry in ClinVar:

ClinVar aggregate classification (germline): Uncertain significance (1 of 4 stars; one submission).

Conditions:
Inborn genetic diseases. Identifiers: MedGen C0950123, MeSH D030342.

gnomAD v4.1: 1 of 1,613,438 alleles (0.000062%); highest among the groups gnomAD compares: Middle Eastern, 0.016%; no homozygotes.

Submission:

Ambry Genetics
Classification: Uncertain significance for Inborn genetic diseases. Last evaluated: 2025-06-13. Review status: criteria provided, single submitter. Criteria: Ambry Variant Classification Scheme 2023. Collection method: clinical testing. Allele origin: germline.
Comment: The p.Q289L variant (also known as c.866A>T), located in coding exon 5 of the ETV6 gene, results from an A to T substitution at nucleotide position 866. The glutamine at codon 289 is replaced by leucine, an amino acid with dissimilar properties. This amino acid position is conserved. In addition, this alteration is predicted to be tolerated by in silico analysis. Based on the available evidence, the clinical significance of this variant remains unclear.

NM_001987.5(ETV6):c.866A>T (p.Gln289Leu)

Gene: ETV6 (ETS variant transcription factor 6; plus strand). Cytogenetic location: 12p13.2.
Variant type: single nucleotide variant.
Coding change: c.866A>T on transcript NM_001987.5 (MANE Select); coding-DNA position 866, A replaced by T.
Protein change: p.Gln289Leu; replaces glutamine 289 with leucine.
Molecular consequence: missense variant.
Genome position (GRCh38, 1-based): chr12:11,869,826, A>T. VCF-style: chr12-11869826-A-T. GRCh37 (hg19) VCF-style: chr12-12022760-A-T.
Other names: c.863A>T, p.Gln288Leu (NM_001413913.1); c.839A>T, p.Gln280Leu (NM_001413914.1); c.602A>T, p.Gln201Leu (NM_001413915.1); c.866A>T, p.Gln289Leu (NM_001413916.1, NM_001413917.1); short protein forms Q280L, Q201L, Q288L, Q289L.
Identifiers: ClinVar variation 4020131 (VCV004020131.1).